The following is an entry in ClinVar:

NM_001199138.2(NLRC4):c.698T>C (p.Met233Thr)

Gene: NLRC4 (NLR family CARD domain containing 4; minus strand). Cytogenetic location: 2p22.3.
Variant type: single nucleotide variant.
Coding change: c.698T>C on transcript NM_001199138.2 (MANE Select); coding-DNA position 698, T replaced by C.
Protein change: p.Met233Thr; replaces methionine 233 with threonine.
Molecular consequence: missense variant. On other transcripts: intron variant (1).
Genome position (GRCh38, 1-based): chr2:32,251,166, A>G on the plus strand (T>C on the coding strand, the complement: NLRC4 is on the minus strand). VCF-style: chr2-32251166-A-G. GRCh37 (hg19) VCF-style: chr2-32476235-A-G.
Other names: c.698T>C, p.Met233Thr (NM_001199139.2, NM_021209.5); c.262+1253T>C (NM_001302504.1); short protein forms M233T.
Identifiers: ClinVar variation 4789031 (VCV004789031.1).

ClinVar aggregate classification (germline): Uncertain significance (1 of 4 stars; one submission).

Conditions:
Periodic fever-infantile enterocolitis-autoinflammatory syndrome. Also called: Autoinflammation with infantile enterocolitis. Identifiers: Orphanet 436166, MedGen C4015067, MONDO:0014472, OMIM 616050.
Familial cold autoinflammatory syndrome 4 (FCAS4). Identifiers: Orphanet 47045, Orphanet 576349, MedGen C4015276, MONDO:0014498, OMIM 616115.

Submission:

Labcorp Genetics (formerly Invitae), Labcorp
Classification: Uncertain significance for Periodic fever-infantile enterocolitis-autoinflammatory syndrome; Familial cold autoinflammatory syndrome 4. Last evaluated: 2025-09-06. Review status: criteria provided, single submitter. Criteria: Invitae Variant Classification Sherloc (09022015). Collection method: clinical testing. Allele origin: germline.
Comment: This sequence change replaces methionine, which is neutral and non-polar, with threonine, which is neutral and polar, at codon 233 of the NLRC4 protein (p.Met233Thr). This variant is present in population databases (no rsID available, gnomAD 0.003%). This variant has not been reported in the literature in individuals affected with NLRC4-related conditions. Invitae Evidence Modeling of protein sequence and biophysical properties (such as structural, functional, and spatial information, amino acid conservation, physicochemical variation, residue mobility, and thermodynamic stability) indicates that this missense variant is not expected to disrupt NLRC4 protein function with a negative predictive value of 80%. In summary, the available evidence is currently insufficient to determine the role of this variant in disease. Therefore, it has been classified as a Variant of Uncertain Significance.